The following is an entry in ClinVar:

ClinVar aggregate classification (germline): Uncertain significance (1 of 4 stars; one submission).

Allele frequency attached by ClinVar (database versions not stated): gnomAD exomes 0.00001.
gnomAD v4.1: 16 of 1,612,114 alleles (0.00099%); highest among the groups gnomAD compares: Non-Finnish European, 0.0014%; no homozygotes.

Submission:

GeneDx
Classification: Uncertain significance. Last evaluated: 2025-07-25. Review status: criteria provided, single submitter. Criteria: GeneDx Variant Classification Process June 2021. Collection method: clinical testing. Allele origin: germline.
Comment: Not observed at significant frequency in large population cohorts (gnomAD); In silico analysis supports that this missense variant has a deleterious effect on protein structure/function; Has not been previously published as pathogenic or benign to our knowledge

NM_000213.5(ITGB4):c.308C>T (p.Pro103Leu)

Gene: ITGB4 (integrin subunit beta 4; plus strand). Cytogenetic location: 17q25.1.
Variant type: single nucleotide variant.
Coding change: c.308C>T on transcript NM_000213.5 (MANE Select); coding-DNA position 308, C replaced by T.
Protein change: p.Pro103Leu; replaces proline 103 with leucine.
Molecular consequence: missense variant.
Genome position (GRCh38, 1-based): chr17:75,727,694, C>T. VCF-style: chr17-75727694-C-T. GRCh37 (hg19) VCF-style: chr17-73723775-C-T.
Other names: c.308C>T, p.Pro103Leu (NM_001005619.2, NM_001005731.3, NM_001321123.2); short protein forms P103L.
Identifiers: ClinVar variation 2430896 (VCV002430896.2), dbSNP rs1289737282, ClinGen allele CA401038902.